The following is an entry in ClinVar:

NM_000093.5(COL5A1):c.4198C>T (p.Pro1400Ser)

Gene: COL5A1 (collagen type V alpha 1 chain; plus strand). Cytogenetic location: 9q34.3.
Variant type: single nucleotide variant.
Coding change: c.4198C>T on transcript NM_000093.5 (MANE Select); coding-DNA position 4198, C replaced by T.
Protein change: p.Pro1400Ser; replaces proline 1400 with serine.
Molecular consequence: missense variant.
Genome position (GRCh38, 1-based): chr9:134,817,799, C>T. VCF-style: chr9-134817799-C-T. GRCh37 (hg19) VCF-style: chr9-137709645-C-T.
Other names: c.4198C>T, p.Pro1400Ser (NM_001278074.1); short protein forms P1400S.
Identifiers: ClinVar variation 947653 (VCV000947653.16), dbSNP rs765217611, ClinGen allele CA5320192.
Genomic context (GRCh38, chr9:134,817,799, plus strand): 5'-GGCCACACTCACCACCTGCTGTTCTCTTGCTTCTTTCAGGGTCCCCCAGGCCCCGCAGGC[C>T]CCGAAGGCAGACAGGGAGAGAAAGGGGCCAAGGTAACGTGTTTTGGAGCCAGGCTGTGAC-3'
Protein context (NP_000084.3, residues 1390-1410): GKRGPPGPAG[Pro1400Ser]EGRQGEKGAK

ClinVar aggregate classification (germline): Conflicting classifications of pathogenicity. Review status: criteria provided, conflicting classifications (1 of 4 stars). 4 submissions from 4 submitters: Uncertain significance (3); Likely benign (1). Last evaluated 2025-07-12.

Conditions:
Ehlers-Danlos syndrome, classic type, 1 (EDSCL1). Also called: Ehlers-Danlos syndrome, type 1; EHLERS-DANLOS SYNDROME, GRAVIS TYPE; EHLERS-DANLOS SYNDROME, SEVERE CLASSIC TYPE; EDS I; Ehlers-Danlos Syndrome, Classic Type, COL5A1-Related. Identifiers: MedGen C0268335, MONDO:0019567, OMIM 130000.
Familial thoracic aortic aneurysm and aortic dissection (TAAD). Also called: Thoracic aortic aneurysms and dissections. Identifiers: Orphanet 91387, MedGen C4707243, MONDO:0019625.

Allele frequency attached by ClinVar (database versions not stated): TOPMed below 0.00001; ExAC 0.00001; gnomAD 0.00001; gnomAD exomes 0.00001 and 0.00002.
gnomAD v4.1: 22 of 1,612,002 alleles (0.0014%); highest among the groups gnomAD compares: Non-Finnish European, 0.0019%; no homozygotes.

Submissions (4):

Ambry Genetics
Classification: Uncertain significance for Familial thoracic aortic aneurysm and aortic dissection. Last evaluated: 2025-07-12. Review status: criteria provided, single submitter. Criteria: Ambry Variant Classification Scheme 2023. Collection method: clinical testing. Allele origin: germline.
Comment: The p.P1400S variant (also known as c.4198C>T), located in coding exon 54 of the COL5A1 gene, results from a C to T substitution at nucleotide position 4198. The proline at codon 1400 is replaced by serine, an amino acid with similar properties. This amino acid position is highly conserved in available vertebrate species. In addition, the in silico prediction for this alteration is inconclusive. Based on the available evidence, the clinical significance of this variant remains unclear.

Labcorp Genetics (formerly Invitae), Labcorp
Classification: Likely benign for Ehlers-Danlos syndrome, classic type, 1. Last evaluated: 2025-03-22. Review status: criteria provided, single submitter. Criteria: Invitae Variant Classification Sherloc (09022015). Collection method: clinical testing. Allele origin: germline.

GeneDx
Classification: Uncertain significance. Last evaluated: 2022-02-08. Review status: criteria provided, single submitter. Criteria: GeneDx Variant Classification Process June 2021. Collection method: clinical testing. Allele origin: germline. Affected: yes.
Comment: Has not been previously published as pathogenic or benign to our knowledge; Not observed at a significant frequency in large population cohorts (gnomAD); In silico analysis supports that this missense variant does not alter protein structure/function; Occurs in the triple helical domain at the X position in the canonical Gly-X-Y repeat; although this variant may have an effect on normal protein folding and function, missense substitution at the X position is not a common mechanism of disease (Symoens et al., 2012; HGMD)

Revvity Omics, Revvity
Classification: Uncertain significance. Last evaluated: 2020-09-28. Review status: criteria provided, single submitter. Criteria: ACMG Guidelines, 2015. Collection method: clinical testing. Allele origin: germline.